The following is an entry in ClinVar:

ClinVar aggregate classification (germline): Benign (0 of 4 stars; one submission).

Conditions:
BIRC6-related disorder. Also called: BIRC6-related condition.

Allele frequency attached by ClinVar (database versions not stated): ExAC 0.02145; gnomAD exomes 0.02235; 1000 Genomes Project 0.03375; gnomAD 0.03545; 1000 Genomes Project 30x 0.03592; TOPMed 0.03922; ESP Exome Variant Server 0.04144.
gnomAD v4.1: 38,152 of 1,608,706 alleles (2.4%); highest among the groups gnomAD compares: African/African-American, 7.7%; 636 homozygotes.

Submission:

PreventionGenetics, part of Exact Sciences
Classification: Benign for BIRC6-related condition. Last evaluated: 2019-02-19. Review status: no assertion criteria provided. Collection method: clinical testing. Allele origin: germline.
Comment: This variant is classified as benign based on ACMG/AMP sequence variant interpretation guidelines (Richards et al. 2015 PMID: 25741868, with internal and published modifications).

NM_016252.4(BIRC6):c.8349T>C (p.Pro2783=)

Gene: BIRC6 (baculoviral IAP repeat containing 6; plus strand). Cytogenetic location: 2p22.3.
Variant type: single nucleotide variant.
Coding change: c.8349T>C on transcript NM_016252.4 (MANE Select); coding-DNA position 8349, T replaced by C.
Protein change: p.Pro2783=; no amino-acid change (proline 2783 retained).
Molecular consequence: synonymous variant.
Genome position (GRCh38, 1-based): chr2:32,493,548, T>C. VCF-style: chr2-32493548-T-C. GRCh37 (hg19) VCF-style: chr2-32718615-T-C.
Other names: c.8346T>C, p.Pro2782= (NM_001378125.1).
Identifiers: ClinVar variation 3038366 (VCV003038366.2), dbSNP rs61754197, ClinGen allele CA1604327.